The following is an entry in ClinVar:

NM_199420.4(POLQ):c.4460A>G (p.Asp1487Gly)

Gene: POLQ (DNA polymerase theta; minus strand). Cytogenetic location: 3q13.33.
Variant type: single nucleotide variant.
Coding change: c.4460A>G on transcript NM_199420.4 (MANE Select); coding-DNA position 4460, A replaced by G.
Protein change: p.Asp1487Gly; replaces aspartic acid 1487 with glycine.
Molecular consequence: missense variant.
Genome position (GRCh38, 1-based): chr3:121,488,471, T>C on the plus strand (A>G on the coding strand, the complement: POLQ is on the minus strand). VCF-style: chr3-121488471-T-C. GRCh37 (hg19) VCF-style: chr3-121207318-T-C.
Other names: short protein forms D1487G.
Identifiers: ClinVar variation 2448912 (VCV002448912.2), dbSNP rs773734030, ClinGen allele CA2562896.
Genomic context (GRCh38, chr3:121,488,471, plus strand): 5'-ATATCAGGTAATTGTTCTTTTACTAGATAGTCATCACTGAAGCTATCAAATAGTAAACTA[T>C]CACTCATATTCAAACTTGTTTCAGGAACTGGAAGACATTCTCCTTCTACACCAGTGGGAG-3'
Protein context (NP_955452.3, residues 1477-1497): PVPETSLNMS[Asp1487Gly]SLLFDSFSDD

ClinVar aggregate classification (germline): Uncertain significance (1 of 4 stars; one submission).

Allele frequency attached by ClinVar (database versions not stated): gnomAD exomes below 0.00001; ExAC 0.00001.
gnomAD v4.1: 1 of 1,608,510 alleles (0.000062%); highest among the groups gnomAD compares: Non-Finnish European, 0.000085%; no homozygotes.

Submission:

Ambry Genetics
Classification: Uncertain significance. Last evaluated: 2022-11-19. Review status: criteria provided, single submitter. Criteria: Ambry Variant Classification Scheme 2023. Collection method: clinical testing. Allele origin: germline.
Comment: The p.D1487G variant (also known as c.4460A>G), located in coding exon 16 of the POLQ gene, results from an A to G substitution at nucleotide position 4460. The aspartic acid at codon 1487 is replaced by glycine, an amino acid with similar properties. This amino acid position is conserved. In addition, this alteration is predicted to be tolerated by in silico analysis. Since supporting evidence is limited at this time, the clinical significance of this alteration remains unclear.